The following is an entry in ClinVar:

NM_003076.5(SMARCD1):c.1253C>G (p.Ala418Gly)

Gene: SMARCD1 (SWI/SNF related BAF chromatin remodeling complex subunit D1; plus strand). Cytogenetic location: 12q13.12.
Variant type: single nucleotide variant.
Coding change: c.1253C>G on transcript NM_003076.5 (MANE Select); coding-DNA position 1253, C replaced by G.
Protein change: p.Ala418Gly; replaces alanine 418 with glycine.
Molecular consequence: missense variant.
Genome position (GRCh38, 1-based): chr12:50,094,556, C>G. VCF-style: chr12-50094556-C-G. GRCh37 (hg19) VCF-style: chr12-50488339-C-G.
Other names: c.1253C>G, p.Ala418Gly (NM_139071.3); short protein forms A418G.
Identifiers: ClinVar variation 3257103 (VCV003257103.17).

ClinVar aggregate classification (germline): Uncertain significance (1 of 4 stars; one submission).

gnomAD v4.1: 2 of 1,614,112 alleles (0.00012%); highest among the groups gnomAD compares: Admixed American, 0.0033%; no homozygotes.

Submission:

CeGaT Center for Human Genetics Tuebingen
Classification: Uncertain significance. Last evaluated: 2024-07-01. Review status: criteria provided, single submitter. Criteria: CeGaT Center For Human Genetics Tuebingen Variant Classification Criteria Version 2. Collection method: clinical testing. Allele origin: germline. Affected: yes. Observed: 1 variant allele.
Comment: SMARCD1: PM2